The following is an entry in ClinVar:

ClinVar aggregate classification (germline): Uncertain significance (1 of 4 stars; one submission).

Conditions:
Severe combined immunodeficiency due to DNA-PKcs deficiency. Also called: IMMUNODEFICIENCY 26 WITH NEUROLOGIC ABNORMALITIES; Immunodeficiency 26 with or without neurologic abnormalities. Identifiers: Orphanet 317425, MedGen C4014833, MONDO:0014423, OMIM 615966.

Allele frequency attached by ClinVar (database versions not stated): gnomAD 0.00001; TOPMed 0.00001.
gnomAD v4.1: 4 of 1,613,814 alleles (0.00025%); highest among the groups gnomAD compares: Non-Finnish European, 0.00034%; no homozygotes.

Submission:

Labcorp Genetics (formerly Invitae), Labcorp
Classification: Uncertain significance for Severe combined immunodeficiency due to DNA-PKcs deficiency. Last evaluated: 2024-12-16. Review status: criteria provided, single submitter. Criteria: Invitae Variant Classification Sherloc (09022015). Collection method: clinical testing. Allele origin: germline.
Comment: This sequence change replaces methionine, which is neutral and non-polar, with valine, which is neutral and non-polar, at codon 3971 of the PRKDC protein (p.Met3971Val). This variant is not present in population databases (gnomAD no frequency). This variant has not been reported in the literature in individuals affected with PRKDC-related conditions. ClinVar contains an entry for this variant (Variation ID: 850250). Invitae Evidence Modeling of protein sequence and biophysical properties (such as structural, functional, and spatial information, amino acid conservation, physicochemical variation, residue mobility, and thermodynamic stability) indicates that this missense variant is not expected to disrupt PRKDC protein function with a negative predictive value of 80%. In summary, the available evidence is currently insufficient to determine the role of this variant in disease. Therefore, it has been classified as a Variant of Uncertain Significance.

NM_006904.7(PRKDC):c.11911A>G (p.Met3971Val)

Gene: PRKDC (protein kinase, DNA-activated, catalytic subunit; minus strand). Cytogenetic location: 8q11.21.
Variant type: single nucleotide variant.
Coding change: c.11911A>G on transcript NM_006904.7 (MANE Select); coding-DNA position 11911, A replaced by G.
Protein change: p.Met3971Val; replaces methionine 3971 with valine.
Molecular consequence: missense variant.
Genome position (GRCh38, 1-based): chr8:47,777,817, T>C on the plus strand (A>G on the coding strand, the complement: PRKDC is on the minus strand). VCF-style: chr8-47777817-T-C. GRCh37 (hg19) VCF-style: chr8-48690378-T-C.
Other names: c.11818A>G, p.Met3940Val (NM_001081640.2); short protein forms M3940V, M3971V.
Identifiers: ClinVar variation 850250 (VCV000850250.5), dbSNP rs776137186, ClinGen allele CA371128286.